The following is an entry in ClinVar:

NM_014319.5(LEMD3):c.1326C>G (p.Asn442Lys)

Gene: LEMD3 (LEM domain containing 3; plus strand). Cytogenetic location: 12q14.3.
Variant type: single nucleotide variant.
Coding change: c.1326C>G on transcript NM_014319.5 (MANE Select); coding-DNA position 1326, C replaced by G.
Protein change: p.Asn442Lys; replaces asparagine 442 with lysine.
Molecular consequence: missense variant.
Genome position (GRCh38, 1-based): chr12:65,170,922, C>G. VCF-style: chr12-65170922-C-G. GRCh37 (hg19) VCF-style: chr12-65564702-C-G.
Other names: c.1326C>G, p.Asn442Lys (NM_001167614.2); short protein forms N442K.
Identifiers: ClinVar variation 4873190 (VCV004873190.2).

ClinVar aggregate classification (germline): Uncertain significance (1 of 4 stars; one submission).

Submission:

CeGaT Center for Human Genetics Tuebingen
Classification: Uncertain significance. Last evaluated: 2026-06-01. Review status: criteria provided, single submitter. Criteria: CeGaT Center For Human Genetics Tuebingen Variant Classification Criteria Version 2. Collection method: clinical testing. Allele origin: germline. Affected: yes. Observed: 1 variant allele.
Comment: LEMD3: PM2, BP4